The following is an entry in ClinVar:

NM_000238.4(KCNH2):c.3099_3109dup (p.Asp1037fs)

Gene: KCNH2 (potassium voltage-gated channel subfamily H member 2; minus strand). Cytogenetic location: 7q36.1.
Variant type: Duplication.
Coding change: c.3099_3109dup on transcript NM_000238.4 (MANE Select); coding-DNA positions 3099 to 3109, 11 bases duplicated (GCCCCGGGGCG).
Protein change: p.Asp1037fs; shifts the reading frame from aspartic acid 1037.
Molecular consequence: frameshift variant.
Genome position (GRCh38, 1-based): chr7:150,947,371-150,947,381, CGCCCCGGGGC duplicated on the plus strand (GCCCCGGGGCG on the coding strand, the reverse complement: KCNH2 is on the minus strand); duplicating any 11 consecutive bases within chr7:150,947,371-150,947,385 gives the same sequence; the c. name uses the placement nearest the transcript's 3' end. VCF-style (leftmost placement, unchanged base first): chr7-150947370-T-TCGCCCCGGGGC. GRCh37 (hg19) VCF-style: chr7-150644458-T-TCGCCCCGGGGC.
Other names: c.2079_2089dup, p.Asp697fs (NM_172057.3); short protein forms D1037fs, D697fs.
Identifiers: ClinVar variation 405358 (VCV000405358.6), dbSNP rs794728466, ClinGen allele CA16612298.

ClinVar aggregate classification (germline): Pathogenic (1 of 4 stars; one submission).

Conditions:
Long QT syndrome (LQTS). Identifiers: MedGen C0023976, MeSH D008133, MONDO:0002442. Disease mechanism: loss of function. Inheritance: Various modes of inheritance.

Submission:

Labcorp Genetics (formerly Invitae), Labcorp
Classification: Pathogenic for Long QT syndrome. Last evaluated: 2016-05-15. Review status: criteria provided, single submitter. Criteria: Invitae Variant Classification Sherloc (09022015). Collection method: clinical testing. Allele origin: germline.
Comment: For these reasons, this variant has been classified as Pathogenic. While this particular variant has not been reported in the literature, truncating variants in KCNH2 are known to be pathogenic (PMID: 19862833). This sequence change inserts 11 nucleotides in exon 13 of the KCNH2 mRNA (c.3099_3109dup11), causing a frameshift at codon 1037. This creates a premature translational stop signal (p.Asp1037Glyfs*24) and is expected to result in an absent or disrupted protein product.

Literature cited by the submitters: PubMed 19862833.